The following is an entry in ClinVar:

ClinVar aggregate classification (germline): Likely benign (1 of 4 stars; one submission).

Allele frequency attached by ClinVar (database versions not stated): gnomAD 0.00001; 1000 Genomes Project 0.00020; 1000 Genomes Project 30x 0.00031.
gnomAD v4.1: 26 of 1,614,178 alleles (0.0016%); highest among the groups gnomAD compares: South Asian, 0.023%; 1 homozygote.

Submission:

CeGaT Center for Human Genetics Tuebingen
Classification: Likely benign. Last evaluated: 2022-10-01. Review status: criteria provided, single submitter. Criteria: CeGaT Center For Human Genetics Tuebingen Variant Classification Criteria Version 2. Collection method: clinical testing. Allele origin: germline. Affected: yes. Observed: 1 variant allele.
Comment: RORA: BP4, BS2

NM_134261.3(RORA):c.196+51362G>A

Genes: RORA (RAR related orphan receptor A; minus strand), RORA-AS1 (RORA antisense RNA 1; plus strand). Cytogenetic location: 15q22.2.
Variant type: single nucleotide variant.
Coding change: c.196+51362G>A on transcript NM_134261.3 (MANE Select); 51362 bases into the intron after coding-DNA position 196, G replaced by A.
Molecular consequence: intron variant. On other transcripts: missense variant (2).
Genome position (GRCh38, 1-based): chr15:60,627,295, C>T on the plus strand (G>A on the coding strand, the complement: RORA is on the minus strand). VCF-style: chr15-60627295-C-T. GRCh37 (hg19) VCF-style: chr15-60919494-C-T.
Other names: c.80G>A, p.Arg27Gln (NM_002943.4, NM_134260.3); short protein forms R27Q.
Identifiers: ClinVar variation 2645396 (VCV002645396.24), dbSNP rs572542837, ClinGen allele CA7593946.
Genomic context (GRCh38, chr15:60,627,295, plus strand): 5'-TACCTTCTGGCTCCTTCACCTGCAGGTGTGGGTGTGGCAGACATTCTGGCCTGTCCAGTT[C>T]GAAGACAATGACCCATGATTGACCACGGCACTCTTGCCTCAGTCTCTAAGTCACTGTCTC-3'